The following is an entry in ClinVar:

GRCh38/hg38 7q11.23(chr7:73280574-74725240)x3

Genes: ABHD11 (abhydrolase domain containing 11; minus strand), ABHD11-AS1 (ABHD11 antisense RNA 1 (tail to tail); plus strand), BAZ1B (bromodomain adjacent to zinc finger domain 1B; minus strand), BCL7B (BAF chromatin remodeling complex subunit BCL7B; minus strand), BUD23 (BUD23 rRNA methyltransferase and ribosome maturation factor; plus strand) and 127 more. Cytogenetic location: 7q11.23.
Variant type: copy number gain.
Change: copy number 3 (three copies instead of two) of chr7:73,280,574-74,725,240 (1.44 Mb, GRCh38 coordinates, 1-based), cytogenetic band 7q11.23.
Identifiers: ClinVar variation 58219 (VCV000058219.2).

ClinVar aggregate classification (germline): Pathogenic (1 of 4 stars; one submission).

Submission:

ISCA Site 6
Classification: Pathogenic. Last evaluated: 2011-08-12. Review status: criteria provided, single submitter. Criteria: Kaminsky et al. (Genet Med. 2011). Collection method: clinical testing. Allele origin: unknown. Affected: yes. Observed: 1 variant allele.
Comment: Copy number variation identified through the course of routine clinical cytogenomic testing in postnatal populations. Clinical assertions have been curated as described in Kaminsky et al. 2011.